The following is an entry in ClinVar:

ClinVar aggregate classification (germline): Uncertain significance (1 of 4 stars; one submission).

Submission:

Labcorp Genetics (formerly Invitae), Labcorp
Classification: Uncertain significance. Last evaluated: 2022-10-13. Review status: criteria provided, single submitter. Criteria: Invitae Variant Classification Sherloc (09022015). Collection method: clinical testing. Allele origin: germline.
Comment: This sequence change replaces isoleucine, which is neutral and non-polar, with methionine, which is neutral and non-polar, at codon 615 of the NLRP1 protein (p.Ile615Met). This variant is not present in population databases (gnomAD no frequency). In summary, the available evidence is currently insufficient to determine the role of this variant in disease. Therefore, it has been classified as a Variant of Uncertain Significance. Algorithms developed to predict the effect of missense changes on protein structure and function are either unavailable or do not agree on the potential impact of this missense change (SIFT: "Tolerated"; PolyPhen-2: "Possibly Damaging"; Align-GVGD: "Class C0"). This variant has not been reported in the literature in individuals affected with NLRP1-related conditions.

NM_033004.4(NLRP1):c.1845C>G (p.Ile615Met)

Gene: NLRP1 (NLR family pyrin domain containing 1; minus strand). Cytogenetic location: 17p13.2.
Variant type: single nucleotide variant.
Coding change: c.1845C>G on transcript NM_033004.4 (MANE Select); coding-DNA position 1845, C replaced by G.
Protein change: p.Ile615Met; replaces isoleucine 615 with methionine.
Molecular consequence: missense variant.
Genome position (GRCh38, 1-based): chr17:5,558,851, G>C on the plus strand (C>G on the coding strand, the complement: NLRP1 is on the minus strand). VCF-style: chr17-5558851-G-C. GRCh37 (hg19) VCF-style: chr17-5462171-G-C.
Other names: c.1845C>G, p.Ile615Met (NM_001033053.3, NM_014922.5, NM_033006.4 and 1 more transcripts); short protein forms I615M.
Identifiers: ClinVar variation 1721116 (VCV001721116.5), dbSNP rs61753140, ClinGen allele CA397384375.